The following is an entry in ClinVar:

ClinVar aggregate classification (germline): Uncertain significance (1 of 4 stars; one submission).

Allele frequency attached by ClinVar (database versions not stated): ExAC 0.00001; gnomAD exomes 0.00001; gnomAD 0.00005; TOPMed 0.00009.
gnomAD v4.1: 17 of 1,594,038 alleles (0.0011%); highest among the groups gnomAD compares: African/African-American, 0.0081%; no homozygotes.

Submission:

Labcorp Genetics (formerly Invitae), Labcorp
Classification: Uncertain significance. Last evaluated: 2022-10-05. Review status: criteria provided, single submitter. Criteria: Invitae Variant Classification Sherloc (09022015). Collection method: clinical testing. Allele origin: germline.
Comment: This variant has not been reported in the literature in individuals affected with CEP55-related conditions. This sequence change replaces aspartic acid, which is acidic and polar, with asparagine, which is neutral and polar, at codon 239 of the CEP55 protein (p.Asp239Asn). This variant is present in population databases (rs767877691, gnomAD 0.01%). Algorithms developed to predict the effect of missense changes on protein structure and function (SIFT, PolyPhen-2, Align-GVGD) all suggest that this variant is likely to be tolerated. In summary, the available evidence is currently insufficient to determine the role of this variant in disease. Therefore, it has been classified as a Variant of Uncertain Significance.

NM_018131.5(CEP55):c.715G>A (p.Asp239Asn)

Gene: CEP55 (centrosomal protein 55; plus strand). Cytogenetic location: 10q23.33.
Variant type: single nucleotide variant.
Coding change: c.715G>A on transcript NM_018131.5 (MANE Select); coding-DNA position 715, G replaced by A.
Protein change: p.Asp239Asn; replaces aspartic acid 239 with asparagine.
Molecular consequence: missense variant.
Genome position (GRCh38, 1-based): chr10:93,516,970, G>A. VCF-style: chr10-93516970-G-A. GRCh37 (hg19) VCF-style: chr10-95276727-G-A.
Other names: c.715G>A, p.Asp239Asn (NM_001127182.2); short protein forms D239N.
Identifiers: ClinVar variation 2884447 (VCV002884447.3), dbSNP rs767877691, ClinGen allele CA5608993.